The following is an entry in ClinVar:

ClinVar aggregate classification (germline): Pathogenic. Review status: criteria provided, multiple submitters, no conflicts (2 of 4 stars). 2 submissions from 2 submitters: Pathogenic (2). Last evaluated 2024-08-16.

Conditions:
Infantile neuroaxonal dystrophy (NBIA2A). Also called: SEITELBERGER DISEASE; NEURODEGENERATION WITH BRAIN IRON ACCUMULATION 2A; Infantile neuroaxonal dystrophy 1. Identifiers: Orphanet 35069, MedGen C0270724, MONDO:0024457, OMIM 256600.
Neurodegeneration with brain iron accumulation (NBIA). Identifiers: Orphanet 385, MedGen C2931845, MONDO:0018307.

Allele frequency attached by ClinVar (database versions not stated): gnomAD exomes below 0.00001; TOPMed 0.00002; gnomAD 0.00002.

Submissions (2):

Women's Health and Genetics/Laboratory Corporation of America, LabCorp
Classification: Pathogenic for Neurodegeneration with brain iron accumulation. Last evaluated: 2024-08-16. Review status: criteria provided, single submitter. Criteria: LabCorp Variant Classification Summary - May 2015. Collection method: clinical testing. Allele origin: germline.
Comment: Variant summary: PLA2G6 c.1262delT (p.Val421AlafsX26) results in a premature termination codon, predicted to cause a truncation of the encoded protein or absence of the protein due to nonsense mediated decay, which are commonly known mechanisms for disease. The variant was absent in 250816 control chromosomes. To our knowledge, no occurrence of c.1262delT in individuals affected with Neurodegeneration With Brain Iron Accumulation and no experimental evidence demonstrating its impact on protein function have been reported. ClinVar contains an entry for this variant (Variation ID: 652932). Based on the evidence outlined above, the variant was classified as pathogenic.

Labcorp Genetics (formerly Invitae), Labcorp
Classification: Pathogenic for Infantile neuroaxonal dystrophy. Last evaluated: 2023-12-01. Review status: criteria provided, single submitter. Criteria: Invitae Variant Classification Sherloc (09022015). Collection method: clinical testing. Allele origin: germline.
Comment: This sequence change creates a premature translational stop signal (p.Val421Alafs*26) in the PLA2G6 gene. It is expected to result in an absent or disrupted protein product. Loss-of-function variants in PLA2G6 are known to be pathogenic (PMID: 16783378, 18570303, 18799783, 22213678). This variant is present in population databases (no rsID available, gnomAD 0.02%). This variant has not been reported in the literature in individuals affected with PLA2G6-related conditions. ClinVar contains an entry for this variant (Variation ID: 652932). For these reasons, this variant has been classified as Pathogenic.

Literature cited by the submitters: PubMed 16783378 (cited by Labcorp Genetics (formerly Invitae), Labcorp); PubMed 18570303 (cited by Labcorp Genetics (formerly Invitae), Labcorp); PubMed 18799783 (cited by Labcorp Genetics (formerly Invitae), Labcorp); PubMed 22213678 (cited by Labcorp Genetics (formerly Invitae), Labcorp).

NM_003560.4(PLA2G6):c.1262del (p.Val421fs)

Gene: PLA2G6 (phospholipase A2 group VI; minus strand). Cytogenetic location: 22q13.1.
Variant type: Deletion.
Coding change: c.1262del on transcript NM_003560.4 (MANE Select); coding-DNA position 1262, one base deleted (T; older notation c.1262delT).
Protein change: p.Val421fs; shifts the reading frame from valine 421.
Molecular consequence: frameshift variant. On other transcripts: intron variant (5).
Genome position (GRCh38, 1-based): chr22:38,128,355, A deleted on the plus strand (T on the coding strand, the reverse complement: PLA2G6 is on the minus strand). VCF-style (leftmost placement, unchanged base first): chr22-38128354-GA-G. GRCh37 (hg19) VCF-style: chr22-38524361-GA-G.
Other names: c.1262del, p.Val421fs (NM_001349864.2); c.728del, p.Val243fs (NM_001349867.2); c.584del, p.Val195fs (NM_001349868.2); c.1186+1099del (NM_001349866.2, NM_001199562.3, NM_001349865.2 and 1 more transcripts); c.652+1099del (NM_001349869.2); c.1262delT (NM_003560.4); short protein forms V195fs, V421fs, V243fs.
Identifiers: ClinVar variation 652932 (VCV000652932.7), dbSNP rs1282370486, ClinGen allele CA639395953.
Genomic context (GRCh38, chr22:38,128,354, plus strand): 5'-GGGCTGAGCTCTTTCCAGGGAGAAGGGATGATGTGGCGCTGCAGAGCCCTGCTCCGCGGG[GA>G]CCCCGTGGATGGGTGGGAAGCAGTATTCGGCCCCCACGGTTCTCAGCAGAGTCAAGATCG-3'